The following is an entry in ClinVar:

ClinVar aggregate classification (germline): Conflicting classifications of pathogenicity. Review status: criteria provided, conflicting classifications (1 of 4 stars). 2 submissions from 2 submitters: Uncertain significance (1); Likely benign (1). Last evaluated 2022-05-27.

Allele frequency attached by ClinVar (database versions not stated): gnomAD exomes 0.00001; TOPMed 0.00001; gnomAD 0.00002.

Submissions (2):

Labcorp Genetics (formerly Invitae), Labcorp
Classification: Uncertain significance. Last evaluated: 2022-05-27. Review status: criteria provided, single submitter. Criteria: Invitae Variant Classification Sherloc (09022015). Collection method: clinical testing. Allele origin: germline.
Comment: In summary, the available evidence is currently insufficient to determine the role of this variant in disease. Therefore, it has been classified as a Variant of Uncertain Significance. Algorithms developed to predict the effect of sequence changes on RNA splicing suggest that this variant may create or strengthen a splice site. Algorithms developed to predict the effect of missense changes on protein structure and function output the following: SIFT: "Tolerated"; PolyPhen-2: "Benign"; Align-GVGD: "Class C0". The valine amino acid residue is found in multiple mammalian species, which suggests that this missense change does not adversely affect protein function. ClinVar contains an entry for this variant (Variation ID: 958635). This variant has not been reported in the literature in individuals affected with SLC24A1-related conditions. This variant is present in population databases (no rsID available, gnomAD 0.009%). This sequence change replaces isoleucine, which is neutral and non-polar, with valine, which is neutral and non-polar, at codon 325 of the SLC24A1 protein (p.Ile325Val).

Blueprint Genetics
Classification: Likely benign. Last evaluated: 2021-12-08. Review status: criteria provided, single submitter. Criteria: ACMG Guidelines, 2015. Collection method: clinical testing. Allele origin: germline.

NM_004727.3(SLC24A1):c.973A>G (p.Ile325Val)

Gene: SLC24A1 (solute carrier family 24 member 1; plus strand). Cytogenetic location: 15q22.31.
Variant type: single nucleotide variant.
Coding change: c.973A>G on transcript NM_004727.3 (MANE Select); coding-DNA position 973, A replaced by G.
Protein change: p.Ile325Val; replaces isoleucine 325 with valine.
Molecular consequence: missense variant.
Genome position (GRCh38, 1-based): chr15:65,625,053, A>G. VCF-style: chr15-65625053-A-G. GRCh37 (hg19) VCF-style: chr15-65917391-A-G.
Other names: c.973A>G, p.Ile325Val (NM_001301031.1, NM_001301032.1, NM_001301033.2); short protein forms I325V.
Identifiers: ClinVar variation 958635 (VCV000958635.9), dbSNP rs949065108, ClinGen allele CA271588250.
Genomic context (GRCh38, chr15:65,625,053, plus strand): 5'-AAGACTCCCCAGGGAACAGTCCTGTTGCATACCCCAGCCACCTCTGAGGGGCAGGTGACA[A>G]TAAGCACCATGACAGGCAGCAGCCCAGCAGAAACCAAAGCCTTCACTGCTGCCTGGAGTC-3'
Protein context (NP_004718.1, residues 315-335): TPATSEGQVT[Ile325Val]STMTGSSPAE